The following is an entry in ClinVar:

NM_030948.6(PHACTR1):c.1636A>T (p.Thr546Ser)

Genes: PHACTR1 (phosphatase and actin regulator 1; plus strand), TBC1D7-LOC100130357 (TBC1D7-LOC100130357 readthrough; minus strand), LOC100130357 (uncharacterized LOC100130357; minus strand). Cytogenetic location: 6p24.1.
Variant type: single nucleotide variant.
Coding change: c.1636A>T on transcript NM_030948.6 (MANE Select); coding-DNA position 1636, A replaced by T.
Protein change: p.Thr546Ser; replaces threonine 546 with serine.
Molecular consequence: missense variant. On other transcripts: intron variant (1).
Genome position (GRCh38, 1-based): chr6:13,283,548, A>T. VCF-style: chr6-13283548-A-T. GRCh37 (hg19) VCF-style: chr6-13283780-A-T.
Other names: c.1636A>T, p.Thr546Ser (NM_001242648.4, NM_001322308.3, NM_001322309.3 and 1 more transcripts); c.1843A>T, p.Thr615Ser (NM_001322310.2); c.1360A>T, p.Thr454Ser (NM_001322311.2, NM_001322312.3, NM_001374583.2); c.1567A>T, p.Thr523Ser (NM_001322313.2); c.1846A>T, p.Thr616Ser (NM_001322314.4); c.*40-15713T>A (NM_001318809.2); short protein forms T454S, T523S, T546S, T615S, T616S.
Identifiers: ClinVar variation 2656242 (VCV002656242.24), dbSNP rs752803290, ClinGen allele CA3639439.

ClinVar aggregate classification (germline): Likely benign (1 of 4 stars; one submission).

Allele frequency attached by ClinVar (database versions not stated): ExAC 0.00001; gnomAD exomes 0.00001; gnomAD 0.00002; TOPMed 0.00002.
gnomAD v4.1: 14 of 1,613,712 alleles (0.00087%); highest among the groups gnomAD compares: Non-Finnish European, 0.0012%; no homozygotes.

Submission:

CeGaT Center for Human Genetics Tuebingen
Classification: Likely benign. Last evaluated: 2024-04-01. Review status: criteria provided, single submitter. Criteria: CeGaT Center For Human Genetics Tuebingen Variant Classification Criteria Version 2. Collection method: clinical testing. Allele origin: germline. Affected: yes. Observed: 3 variant alleles.
Comment: PHACTR1: BS2